The following is an entry in ClinVar:

ClinVar aggregate classification (germline): not provided (0 of 4 stars; one submission).

Submission:

Richard Lifton Laboratory, Yale University School of Medicine
No classification provided. Review status: no classification provided. Collection method: not provided. Allele origin: germline.
Comment: KDM5B
ClinVar note: Converted during submission from untested to not provided.

NM_006618.5(KDM5B):c.1701+1G>A

Gene: KDM5B (lysine demethylase 5B; minus strand). Cytogenetic location: 1q32.1.
Variant type: single nucleotide variant.
Coding change: c.1701+1G>A on transcript NM_006618.5 (MANE Select); the canonical splice donor site of the intron after coding-DNA position 1701, G replaced by A.
Molecular consequence: splice donor variant.
Genome position (GRCh38, 1-based): chr1:202,752,904, C>T on the plus strand (G>A on the coding strand, the complement: KDM5B is on the minus strand). VCF-style: chr1-202752904-C-T. GRCh37 (hg19) VCF-style: chr1-202722032-C-T.
Other names: c.1686+1G>A (NM_001399817.1); c.1566+1G>A (NM_001347591.2); c.1809+1G>A (NM_001314042.2).
Identifiers: ClinVar variation 135632 (VCV000135632.3), dbSNP rs367537995, ClinGen allele CA232416.
Genomic context (GRCh38, chr1:202,752,904, plus strand): 5'-AAAGGAAAAAGAGAAGTGGTGAATTAAGCTTGAGTGGCAGGAGGATTAACCCAGAACATA[C>T]AGGCACTTCATGAGTCATCAGGGTATTGGGGTTCATGATGGTCACAAGCTGATGGAGGAG-3'